The following is an entry in ClinVar:

NM_000875.5(IGF1R):c.*4641C>T

Gene: IGF1R (insulin like growth factor 1 receptor; plus strand). Cytogenetic location: 15q26.3.
Variant type: single nucleotide variant.
Coding change: c.*4641C>T on transcript NM_000875.5 (MANE Select); 4641 bases downstream of the stop codon, C replaced by T.
Molecular consequence: 3 prime UTR variant.
Genome position (GRCh38, 1-based): chr15:98,962,083, C>T. VCF-style: chr15-98962083-C-T. GRCh37 (hg19) VCF-style: chr15-99505312-C-T.
Other names: c.*4641C>T (NM_001291858.2).
Identifiers: ClinVar variation 317587 (VCV000317587.5), dbSNP rs565859125, ClinGen allele CA10646782.

ClinVar aggregate classification (germline): Likely benign (1 of 4 stars; one submission).

Conditions:
Growth delay due to insulin-like growth factor I resistance. Also called: Somatomedin end-organ insensitivity to; Somatomedin-c resistance to; IGF-1 resistance; IGF-I RESISTANCE; Insulin-Like Growth Factor I Resistance. Identifiers: Orphanet 73273, MedGen C1849157, MONDO:0010038, OMIM 270450.

Allele frequency attached by ClinVar (database versions not stated): TOPMed 0.00003; gnomAD 0.00004 and 0.00007; gnomAD exomes 0.00007; 1000 Genomes Project 0.00060; 1000 Genomes Project 30x 0.00062.
gnomAD v4.1: 16 of 233,356 alleles (0.0069%); highest among the groups gnomAD compares: South Asian, 0.11%; 1 homozygote.

Submission:

Illumina Laboratory Services, Illumina
Classification: Likely benign for Growth delay due to insulin-like growth factor I resistance. Last evaluated: 2018-01-12. Review status: criteria provided, single submitter. Criteria: ICSL Variant Classification Criteria 13 December 2019. Collection method: clinical testing. Allele origin: germline.
Comment: This variant was observed in the ICSL laboratory as part of a predisposition screen in an ostensibly healthy population. It had not been previously curated by ICSL or reported in the Human Gene Mutation Database (HGMD: prior to June 1st, 2018), and was therefore a candidate for classification through an automated scoring system. Utilizing variant allele frequency, disease prevalence and penetrance estimates, and inheritance mode, an automated score was calculated to assess if this variant is too frequent to cause the disease. Based on the score and internal cut-off values, a variant classified as likely benign is not then subjected to further curation. The score for this variant resulted in a classification of likely benign for this disease.